The following is an entry in ClinVar:

NM_001127208.3(TET2):c.217C>T (p.Arg73Cys)

Genes: TET2 (tet methylcytosine dioxygenase 2; plus strand), TET2-AS1 (TET2 antisense RNA 1; minus strand). Cytogenetic location: 4q24.
Variant type: single nucleotide variant.
Coding change: c.217C>T on transcript NM_001127208.3 (MANE Select); coding-DNA position 217, C replaced by T.
Protein change: p.Arg73Cys; replaces arginine 73 with cysteine.
Molecular consequence: missense variant.
Genome position (GRCh38, 1-based): chr4:105,234,159, C>T. VCF-style: chr4-105234159-C-T. GRCh37 (hg19) VCF-style: chr4-106155316-C-T.
Other names: c.217C>T, p.Arg73Cys (NM_017628.4); short protein forms R73C.
Identifiers: ClinVar variation 3455345 (VCV003455345.2).
Genomic context (GRCh38, chr4:105,234,159, plus strand): 5'-AAGTGGCACTCTTTCAAAAGTTATTATGGAATACCCTGTATGAAGGGAAGCCAGAATAGT[C>T]GTGTGAGTCCTGACTTTACACAAGAAAGTAGAGGGTATTCCAAGTGTTTGCAAAATGGAG-3'
Protein context (NP_001120680.1, residues 63-83): IPCMKGSQNS[Arg73Cys]VSPDFTQESR

ClinVar aggregate classification (germline): Uncertain significance. Review status: criteria provided, multiple submitters, no conflicts (2 of 4 stars). 2 submissions from 2 submitters: Uncertain significance (2). Last evaluated 2025-10-16.

gnomAD v4.1: 10 of 1,613,982 alleles (0.00062%); highest among the groups gnomAD compares: East Asian, 0.0045%; no homozygotes.

Submissions (2):

Labcorp Genetics (formerly Invitae), Labcorp
Classification: Uncertain significance. Last evaluated: 2025-10-16. Review status: criteria provided, single submitter. Criteria: Invitae Variant Classification Sherloc (09022015). Collection method: clinical testing. Allele origin: germline.
Comment: This sequence change replaces arginine, which is basic and polar, with cysteine, which is neutral and slightly polar, at codon 73 of the TET2 protein (p.Arg73Cys). This variant is present in population databases (rs368320100, gnomAD 0.006%). This variant has not been reported in the literature in individuals affected with TET2-related conditions. ClinVar contains an entry for this variant (Variation ID: 3455345). An algorithm developed to predict the effect of missense changes on protein structure and function outputs the following: PolyPhen-2: "Benign". The cysteine amino acid residue is found in multiple mammalian species, which suggests that this missense change does not adversely affect protein function. In summary, the available evidence is currently insufficient to determine the role of this variant in disease. Therefore, it has been classified as a Variant of Uncertain Significance.

Ambry Genetics
Classification: Uncertain significance. Last evaluated: 2024-11-28. Review status: criteria provided, single submitter. Criteria: Ambry Variant Classification Scheme 2023. Collection method: clinical testing. Allele origin: germline.
Comment: The p.R73C variant (also known as c.217C>T), located in coding exon 1 of the TET2 gene, results from a C to T substitution at nucleotide position 217. The arginine at codon 73 is replaced by cysteine, an amino acid with highly dissimilar properties. This amino acid position is conserved. In addition, this alteration is predicted to be tolerated by in silico analysis. Based on the available evidence, the clinical significance of this variant remains unclear.